The following is an entry in ClinVar:

ClinVar aggregate classification (germline): Uncertain significance (1 of 4 stars; one submission).

Submission:

Women's Health and Genetics/Laboratory Corporation of America, LabCorp
Classification: Uncertain significance. Last evaluated: 2025-02-19. Review status: criteria provided, single submitter. Criteria: LabCorp Variant Classification Summary - May 2015. Collection method: clinical testing. Allele origin: germline.
Comment: Variant summary: MORC2 c.2423_2433del11 (p.Tyr808CysfsX18) results in a premature termination codon, predicted to cause a truncation of the encoded protein or absence of the protein due to nonsense mediated decay, however current evidence is not sufficient to establish loss of function as a mechanism for disease. The variant was absent in 251404 control chromosomes. The available data on variant occurrences in the general population are insufficient to allow any conclusion about variant significance. To our knowledge, no occurrence of c.2423_2433del11 in individuals affected with Charcot-Marie-Tooth disease axonal type 2Z and no experimental evidence demonstrating its impact on protein function have been reported. No submitters have cited clinical-significance assessments for this variant to ClinVar. Based on the evidence outlined above, the variant was classified as uncertain significance.

NM_001303256.3(MORC2):c.2423_2433del (p.Tyr808fs)

Gene: MORC2 (MORC family CW-type zinc finger 2; minus strand). Cytogenetic location: 22q12.2.
Variant type: Deletion.
Coding change: c.2423_2433del on transcript NM_001303256.3 (MANE Select); coding-DNA positions 2423 to 2433, 11 bases deleted (ACACGGGCCGT).
Protein change: p.Tyr808fs; shifts the reading frame from tyrosine 808.
Molecular consequence: frameshift variant.
Genome position (GRCh38, 1-based): chr22:30,932,978-30,932,988, ACGGCCCGTGT deleted on the plus strand (ACACGGGCCGT on the coding strand, the reverse complement: MORC2 is on the minus strand); deleting any 11 consecutive bases within chr22:30,932,978-30,932,990 gives the same sequence; the c. name uses the placement nearest the transcript's 3' end. VCF-style (leftmost placement, unchanged base first): chr22-30932977-CACGGCCCGTGT-C. GRCh37 (hg19) VCF-style: chr22-31328964-CACGGCCCGTGT-C.
Other names: c.2423_2433del, p.Tyr808fs (NM_001303257.2); c.2237_2247del, p.Tyr746fs (NM_014941.3); c.2423_2433del11 (NM_001303256.3); short protein forms Y746fs, Y808fs.
Identifiers: ClinVar variation 3768968 (VCV003768968.1).